The following is an entry in ClinVar:

ClinVar aggregate classification (germline): Conflicting classifications of pathogenicity. Review status: criteria provided, conflicting classifications (1 of 4 stars). 5 submissions from 5 submitters: Uncertain significance (4); Likely benign (1). Last evaluated 2025-12-29.

Conditions:
Bethlem myopathy 2 (BTHLM2). Identifiers: Orphanet 536516, Orphanet 610, MedGen C4225313, MONDO:0034022, OMIM 616471.
Ullrich congenital muscular dystrophy 2 (UCMD2). Identifiers: Orphanet 75840, MedGen C4225314, MONDO:0014654, OMIM 616470.

Allele frequency attached by ClinVar (database versions not stated): ExAC 0.00004; gnomAD 0.00004 and 0.00005; gnomAD exomes 0.00004 and 0.00005; TOPMed 0.00008.
gnomAD v4.1: 84 of 1,597,888 alleles (0.0053%); highest among the groups gnomAD compares: African/African-American, 0.015%; no homozygotes.

Submissions (5):

Labcorp Genetics (formerly Invitae), Labcorp
Classification: Likely benign for Bethlem myopathy 2; Ullrich congenital muscular dystrophy 2. Last evaluated: 2025-12-29. Review status: criteria provided, single submitter. Criteria: Invitae Variant Classification Sherloc (09022015). Collection method: clinical testing. Allele origin: germline.

CeGaT Center for Human Genetics Tuebingen
Classification: Uncertain significance. Last evaluated: 2025-07-01. Review status: criteria provided, single submitter. Criteria: CeGaT Center For Human Genetics Tuebingen Variant Classification Criteria Version 2. Collection method: clinical testing. Allele origin: germline. Affected: yes. Observed: 2 variant alleles.
Comment: COL12A1: PM2

Blueprint Genetics
Classification: Uncertain significance. Last evaluated: 2024-09-23. Review status: criteria provided, single submitter. Criteria: ACMG Guidelines, 2015. Collection method: clinical testing. Allele origin: germline.

GeneDx
Classification: Uncertain significance. Last evaluated: 2024-03-10. Review status: criteria provided, single submitter. Criteria: GeneDx Variant Classification Process June 2021. Collection method: clinical testing. Allele origin: germline.
Comment: Has not been previously published as pathogenic or benign to our knowledge; In silico analysis supports that this missense variant does not alter protein structure/function

Revvity Omics, Revvity
Classification: Uncertain significance. Last evaluated: 2023-07-25. Review status: criteria provided, single submitter. Criteria: ACMG Guidelines, 2015. Collection method: clinical testing. Allele origin: germline.

NM_004370.6(COL12A1):c.5770C>T (p.Arg1924Cys)

Gene: COL12A1 (collagen type XII alpha 1 chain; minus strand). Cytogenetic location: 6q13.
Variant type: single nucleotide variant.
Coding change: c.5770C>T on transcript NM_004370.6 (MANE Select); coding-DNA position 5770, C replaced by T.
Protein change: p.Arg1924Cys; replaces arginine 1924 with cysteine.
Molecular consequence: missense variant.
Genome position (GRCh38, 1-based): chr6:75,133,317, G>A on the plus strand (C>T on the coding strand, the complement: COL12A1 is on the minus strand). VCF-style: chr6-75133317-G-A. GRCh37 (hg19) VCF-style: chr6-75843033-G-A.
Other names: c.2278C>T, p.Arg760Cys (NM_080645.3); short protein forms R1924C, R760C.
Identifiers: ClinVar variation 846212 (VCV000846212.33), dbSNP rs775862147, ClinGen allele CA3893015.